The following is an entry in ClinVar:

NM_001184.4(ATR):c.7375C>T (p.Arg2459Cys)

Gene: ATR (ATR checkpoint kinase; minus strand). Cytogenetic location: 3q23.
Variant type: single nucleotide variant.
Coding change: c.7375C>T on transcript NM_001184.4 (MANE Select); coding-DNA position 7375, C replaced by T.
Protein change: p.Arg2459Cys; replaces arginine 2459 with cysteine.
Molecular consequence: missense variant.
Genome position (GRCh38, 1-based): chr3:142,459,086, G>A on the plus strand (C>T on the coding strand, the complement: ATR is on the minus strand). VCF-style: chr3-142459086-G-A. GRCh37 (hg19) VCF-style: chr3-142177928-G-A.
Other names: c.7183C>T, p.Arg2395Cys (NM_001354579.2); short protein forms R2459C, R2395C.
Identifiers: ClinVar variation 963773 (VCV000963773.7), dbSNP rs762621866, ClinGen allele CA2649142.

ClinVar aggregate classification (germline): Uncertain significance (1 of 4 stars; one submission).

Allele frequency attached by ClinVar (database versions not stated): gnomAD exomes below 0.00001 and 0.00003; gnomAD 0.00001; ExAC 0.00002; TOPMed 0.00002.
gnomAD v4.1: 50 of 1,613,832 alleles (0.0031%); highest among the groups gnomAD compares: East Asian, 0.0045%; no homozygotes.

Submission:

Labcorp Genetics (formerly Invitae), Labcorp
Classification: Uncertain significance. Last evaluated: 2021-08-26. Review status: criteria provided, single submitter. Criteria: Invitae Variant Classification Sherloc (09022015). Collection method: clinical testing. Allele origin: germline.
Comment: This sequence change replaces arginine with cysteine at codon 2459 of the ATR protein (p.Arg2459Cys). The arginine residue is highly conserved and there is a large physicochemical difference between arginine and cysteine. This variant is present in population databases (rs762621866, ExAC 0.003%). This missense change has been observed in individual(s) with craniosynostosis (PMID: 29168297). Algorithms developed to predict the effect of missense changes on protein structure and function (SIFT, PolyPhen-2, Align-GVGD) all suggest that this variant is likely to be disruptive. In summary, the available evidence is currently insufficient to determine the role of this variant in disease. Therefore, it has been classified as a Variant of Uncertain Significance.

Literature cited by the submitters: PubMed 29168297.